The following is an entry in ClinVar:

NC_000005.10:g.(?_80725443)_(80761688_?)del

Gene: MSH3 (mutS homolog 3; plus strand). Cytogenetic location: 5q14.1.
Variant type: Deletion.
Identifiers: ClinVar variation 832098 (VCV000832098.5).

ClinVar aggregate classification (germline): Pathogenic (1 of 4 stars; one submission).

Submission:

Labcorp Genetics (formerly Invitae), Labcorp
Classification: Pathogenic. Last evaluated: 2023-08-01. Review status: criteria provided, single submitter. Criteria: Invitae Variant Classification Sherloc (09022015). Collection method: clinical testing. Allele origin: germline.
Comment: For these reasons, this variant has been classified as Pathogenic. This variant has not been reported in the literature in individuals affected with MSH3-related conditions. This variant is a gross deletion of the genomic region encompassing exon(s) 9-13 of the MSH3 gene. This deletion is out-of-frame, and is expected to create a premature termination codon and result in an absent or disrupted protein product. Loss-of-function variants in MSH3 are known to be pathogenic (PMID: 27476653).

Literature cited by the submitters: PubMed 27476653.